The following is an entry in ClinVar:

ClinVar aggregate classification (germline): Pathogenic (1 of 4 stars; one submission).

Allele frequency attached by ClinVar (database versions not stated): TOPMed below 0.00001; gnomAD exomes 0.00001.
gnomAD v4.1: 3 of 1,614,002 alleles (0.00019%); highest among the groups gnomAD compares: Non-Finnish European, 0.00025%; no homozygotes.

Submission:

Labcorp Genetics (formerly Invitae), Labcorp
Classification: Pathogenic. Last evaluated: 2025-10-09. Review status: criteria provided, single submitter. Criteria: Invitae Variant Classification Sherloc (09022015). Collection method: clinical testing. Allele origin: germline.
Comment: This sequence change creates a premature translational stop signal (p.Trp623*) in the PLOD3 gene. It is expected to result in an absent or disrupted protein product. Loss-of-function variants in PLOD3 are known to be pathogenic (PMID: 30237576). This variant is present in population databases (no rsID available, gnomAD 0.0009%). This variant has not been reported in the literature in individuals affected with PLOD3-related conditions. ClinVar contains an entry for this variant (Variation ID: 1934934). For these reasons, this variant has been classified as Pathogenic.

Literature cited by the submitters: PubMed 30237576.

NM_001084.5(PLOD3):c.1869G>A (p.Trp623Ter)

Gene: PLOD3 (procollagen-lysine,2-oxoglutarate 5-dioxygenase 3; minus strand). Cytogenetic location: 7q22.1.
Variant type: single nucleotide variant.
Coding change: c.1869G>A on transcript NM_001084.5 (MANE Select); coding-DNA position 1869, G replaced by A.
Protein change: p.Trp623Ter; replaces tryptophan 623 with a stop codon.
Molecular consequence: nonsense.
Genome position (GRCh38, 1-based): chr7:101,207,644, C>T on the plus strand (G>A on the coding strand, the complement: PLOD3 is on the minus strand). VCF-style: chr7-101207644-C-T. GRCh37 (hg19) VCF-style: chr7-100850925-C-T.
Other names: short protein forms W623*.
Identifiers: ClinVar variation 1934934 (VCV001934934.5), dbSNP rs1213976958, ClinGen allele CA368610871.